The following is an entry in ClinVar:

NM_000026.4(ADSL):c.1101+158T>C

Gene: ADSL (adenylosuccinate lyase; plus strand). Cytogenetic location: 22q13.1.
Variant type: single nucleotide variant.
Coding change: c.1101+158T>C on transcript NM_000026.4 (MANE Select); 158 bases into the intron after coding-DNA position 1101, T replaced by C.
Molecular consequence: intron variant.
Genome position (GRCh38, 1-based): chr22:40,363,229, T>C. VCF-style: chr22-40363229-T-C. GRCh37 (hg19) VCF-style: chr22-40759233-T-C.
Other names: c.1101+158T>C (NM_001363840.3, NM_001123378.3); c.909+158T>C (NM_001317923.2).
Identifiers: ClinVar variation 679275 (VCV000679275.2), dbSNP rs2068470, ClinGen allele CA14960050.
Genomic context (GRCh38, chr22:40,363,229, plus strand): 5'-GATAGGCATTCTTCCCACCCGAGCTCATCCTTCAGTTCATAAGCTCTAGGGAACTAGCTC[T>C]GTGGAATTCATAGACACATTATAGAAACAGAAAAAGAAGTATTTTAAATTGCCTTAAACT-3'

ClinVar aggregate classification (germline): Likely benign. Review status: criteria provided, multiple submitters, no conflicts (2 of 4 stars). 2 submissions from 2 submitters: Likely benign (2). Last evaluated 2018-06-14.

Allele frequency attached by ClinVar (database versions not stated): 1000 Genomes Project 0.01158; 1000 Genomes Project 30x 0.01187; gnomAD 0.02714 and 0.02772; TOPMed 0.02718; gnomAD exomes 0.03341.
gnomAD v4.1: 22,523 of 702,226 alleles (3.2%); highest among the groups gnomAD compares: Middle Eastern, 5.3%; 465 homozygotes.

Submissions (2):

GeneDx
Classification: Likely benign. Last evaluated: 2018-06-14. Review status: criteria provided, single submitter. Criteria: GeneDx Variant Classification (06012015). Collection method: clinical testing. Allele origin: germline. Affected: yes.
Comment: This variant is considered likely benign or benign based on one or more of the following criteria: it is a conservative change, it occurs at a poorly conserved position in the protein, it is predicted to be benign by multiple in silico algorithms, and/or has population frequency not consistent with disease.

Breakthrough Genomics
Classification: Likely benign. Review status: criteria provided, single submitter. Criteria: ACMG Guidelines, 2015. Collection method: not provided. Allele origin: germline. Inheritance: Autosomal recessive inheritance. Affected: yes.